The following is an entry in ClinVar:

NM_004525.3(LRP2):c.9007G>A (p.Gly3003Arg)

Gene: LRP2 (LDL receptor related protein 2; minus strand). Cytogenetic location: 2q31.1.
Variant type: single nucleotide variant.
Coding change: c.9007G>A on transcript NM_004525.3 (MANE Select); coding-DNA position 9007, G replaced by A.
Protein change: p.Gly3003Arg; replaces glycine 3003 with arginine.
Molecular consequence: missense variant.
Genome position (GRCh38, 1-based): chr2:169,191,857, C>T on the plus strand (G>A on the coding strand, the complement: LRP2 is on the minus strand). VCF-style: chr2-169191857-C-T. GRCh37 (hg19) VCF-style: chr2-170048367-C-T.
Other names: c.9007G>A (NM_004525.2); short protein forms G3003R.
Identifiers: ClinVar variation 1381673 (VCV001381673.9), dbSNP rs868325614, ClinGen allele CA59922587.

ClinVar aggregate classification (germline): Uncertain significance. Review status: criteria provided, multiple submitters, no conflicts (2 of 4 stars). 3 submissions from 3 submitters: Uncertain significance (3). Last evaluated 2025-12-16.

Allele frequency attached by ClinVar (database versions not stated): gnomAD exomes 0.00002 and 0.00005; gnomAD 0.00004 and 0.00005; TOPMed 0.00004.
gnomAD v4.1: 76 of 1,613,894 alleles (0.0047%); highest among the groups gnomAD compares: Non-Finnish European, 0.006%; no homozygotes.

Submissions (3):

Labcorp Genetics (formerly Invitae), Labcorp
Classification: Uncertain significance. Last evaluated: 2025-12-16. Review status: criteria provided, single submitter. Criteria: Invitae Variant Classification Sherloc (09022015). Collection method: clinical testing. Allele origin: germline.
Comment: This sequence change replaces glycine, which is neutral and non-polar, with arginine, which is basic and polar, at codon 3003 of the LRP2 protein (p.Gly3003Arg). This variant is present in population databases (no rsID available, gnomAD 0.003%). This variant has not been reported in the literature in individuals affected with LRP2-related conditions. ClinVar contains an entry for this variant (Variation ID: 1381673). Invitae Evidence Modeling of protein sequence and biophysical properties (such as structural, functional, and spatial information, amino acid conservation, physicochemical variation, residue mobility, and thermodynamic stability) indicates that this missense variant is not expected to disrupt LRP2 protein function with a negative predictive value of 80%. In summary, the available evidence is currently insufficient to determine the role of this variant in disease. Therefore, it has been classified as a Variant of Uncertain Significance.

GeneDx
Classification: Uncertain significance. Last evaluated: 2024-03-04. Review status: criteria provided, single submitter. Criteria: GeneDx Variant Classification Process June 2021. Collection method: clinical testing. Allele origin: germline. Affected: yes.
Comment: In silico analysis supports that this missense variant has a deleterious effect on protein structure/function; Has not been previously published as pathogenic or benign to our knowledge

Blueprint Genetics
Classification: Uncertain significance. Last evaluated: 2024-01-24. Review status: criteria provided, single submitter. Criteria: ACMG Guidelines, 2015. Collection method: clinical testing. Allele origin: germline.